The following is an entry in ClinVar:

NM_002887.4(RARS1):c.36G>C (p.Leu12=)

Gene: RARS1 (arginyl-tRNA synthetase 1; plus strand). Cytogenetic location: 5q34.
Variant type: single nucleotide variant.
Coding change: c.36G>C on transcript NM_002887.4 (MANE Select); coding-DNA position 36, G replaced by C.
Protein change: p.Leu12=; no amino-acid change (leucine 12 retained).
Molecular consequence: synonymous variant.
Genome position (GRCh38, 1-based): chr5:168,486,534, G>C. VCF-style: chr5-168486534-G-C. GRCh37 (hg19) VCF-style: chr5-167913539-G-C.
Identifiers: ClinVar variation 1033549 (VCV001033549.5), dbSNP rs1272430190, ClinGen allele CA447549620.
Genomic context (GRCh38, chr5:168,486,534, plus strand): 5'-TGGCGAGTGAGACGCTGATGGGAGGATGGACGTACTGGTGTCTGAGTGCTCCGCGCGGCT[G>C]CTGCAGCAGGTTTGGACGCAGGAGACCGGCGGGAAGGCCTGAAAGAGATGGAGCAGGCTC-3'
Protein context (NP_002878.2, residues 2-22): DVLVSECSAR[Leu12=]LQQEEEIKSL

ClinVar aggregate classification (germline): Conflicting classifications of pathogenicity. Review status: criteria provided, conflicting classifications (1 of 4 stars). 2 submissions from 2 submitters: Uncertain significance (1); Likely benign (1). Last evaluated 2021-12-24.

Conditions:
Leukodystrophy, hypomyelinating, 9. Identifiers: Orphanet 438114, MedGen C4015323, MONDO:0014506, OMIM 616140.

gnomAD v4.1: 7 of 1,558,034 alleles (0.00045%); highest among the groups gnomAD compares: Admixed American, 0.014%; no homozygotes.

Submissions (2):

Labcorp Genetics (formerly Invitae), Labcorp
Classification: Likely benign. Last evaluated: 2021-12-24. Review status: criteria provided, single submitter. Criteria: Invitae Variant Classification Sherloc (09022015). Collection method: clinical testing. Allele origin: germline.

Baylor Genetics
Classification: Uncertain significance for Leukodystrophy, hypomyelinating, 9. Last evaluated: 2018-01-24. Review status: criteria provided, single submitter. Criteria: ACMG Guidelines, 2015. Collection method: clinical testing. Allele origin: unknown. Affected: yes.
Comment: This variant was determined to be of uncertain significance according to ACMG Guidelines, 2015 [PMID:25741868].